The following is an entry in ClinVar:

NM_002230.4(JUP):c.-9+4C>G

Genes: JUP (junction plakoglobin; minus strand), LOC130060847 (ATAC-STARR-seq lymphoblastoid silent region 8499; plus strand). Cytogenetic location: 17q21.2.
Variant type: single nucleotide variant.
Coding change: c.-9+4C>G on transcript NM_002230.4 (MANE Select); 4 bases into the intron after 9 bases upstream of the start codon, C replaced by G.
Molecular consequence: intron variant. On other transcripts: 5 prime UTR variant (2).
Genome position (GRCh38, 1-based): chr17:41,786,584, G>C on the plus strand (C>G on the coding strand, the complement: JUP is on the minus strand). VCF-style: chr17-41786584-G-C. GRCh37 (hg19) VCF-style: chr17-39942836-G-C.
Other names: c.-27C>G (NM_001352773.2); c.-24C>G (NM_001352775.2); c.-6+4C>G (NM_001352774.2); c.-9+4C>G (NM_021991.4); c.-118+4C>G (NM_001352776.2).
Identifiers: ClinVar variation 377984 (VCV000377984.1), dbSNP rs550558202, ClinGen allele CA16608419.

ClinVar aggregate classification (germline): Benign (1 of 4 stars; one submission).

Allele frequency attached by ClinVar (database versions not stated): 1000 Genomes Project 0.00020; 1000 Genomes Project 30x 0.00031; TOPMed 0.00042; gnomAD 0.00050 and 0.00052.
gnomAD v4.1: 77 of 152,468 alleles (0.051%); highest among the groups gnomAD compares: African/African-American, 0.18%; no homozygotes.

Submission:

GeneDx
Classification: Benign. Last evaluated: 2015-05-18. Review status: criteria provided, single submitter. Criteria: GeneDx Variant Classification (06012015). Collection method: clinical testing. Allele origin: germline. Affected: yes.
Comment: This variant is considered likely benign or benign based on one or more of the following criteria: it is a conservative change, it occurs at a poorly conserved position in the protein, it is predicted to be benign by multiple in silico algorithms, and/or has population frequency not consistent with disease.